The following is an entry in ClinVar:

ClinVar aggregate classification (germline): Uncertain significance (1 of 4 stars; one submission).

Allele frequency attached by ClinVar (database versions not stated): TOPMed 0.00001.
gnomAD v4.1: 2 of 1,613,978 alleles (0.00012%); highest among the groups gnomAD compares: East Asian, 0.0022%; no homozygotes.

Submission:

GeneDx
Classification: Uncertain significance. Last evaluated: 2013-07-18. Review status: criteria provided, single submitter. Criteria: GeneDx Variant Classification (06012015). Collection method: clinical testing. Allele origin: germline. Affected: yes.
Comment: Missense variants in the TTN gene are considered 'unclassified' if they are not previously reported in the literature and do not have >1% frequency in the population to be considered a polymorphism. Research indicates that truncating mutations in the TTN gene are expected to account for approximately 25% of familial and 18% of sporadic idiopathic DCM; however, truncating variants in the TTN gene have been reported in approximately 3% of reported control alleles. There has been little investigation into non-truncating variants. (Herman D et al. Truncations of titin causing dilated cardiomyopathy. N Eng J Med 366:619-628, 2012) The variant is found in DCM panel(s).

NM_001267550.2(TTN):c.4081A>G (p.Ile1361Val)

Genes: TTN (titin; minus strand), LOC101927055 (uncharacterized LOC101927055; plus strand). Cytogenetic location: 2q31.2.
Variant type: single nucleotide variant.
Coding change: c.4081A>G on transcript NM_001267550.2 (MANE Select); coding-DNA position 4081, A replaced by G.
Protein change: p.Ile1361Val; replaces isoleucine 1361 with valine.
Molecular consequence: missense variant.
Genome position (GRCh38, 1-based): chr2:178,779,001, T>C on the plus strand (A>G on the coding strand, the complement: TTN is on the minus strand). VCF-style: chr2-178779001-T-C. GRCh37 (hg19) VCF-style: chr2-179643728-T-C.
Other names: p.I1361V:ATC>GTC; c.3943A>G, p.Ile1315Val (NM_003319.4, NM_133432.3, NM_133437.4); c.4081A>G, p.Ile1361Val (NM_133378.4, NM_133379.5, NM_001256850.1); short protein forms I1361V, I1315V.
Identifiers: ClinVar variation 203123 (VCV000203123.2), dbSNP rs145308734, ClinGen allele CA311319.
Genomic context (GRCh38, chr2:178,779,001, plus strand): 5'-CATACAATTTCCCTGAGCAAATTGCATTTCCTTTAATATTGCTGGCAAATGCAGTGTAGA[T>C]TCCTTCATCTTCTGGAAGAACAACAGGTATACGCAGACTAGCTCTGCCATCTTGTAGAAA-3'
Protein context (NP_001254479.2, residues 1351-1371): IPVVLPEDEG[Ile1361Val]YTAFASNIKG